The following is an entry in ClinVar:

ClinVar aggregate classification (germline): Benign/Likely benign. Review status: criteria provided, multiple submitters, no conflicts (2 of 4 stars). 4 submissions from 4 submitters: Benign (1); Likely benign (3). Last evaluated 2025-12-09.

Conditions:
Inborn genetic diseases. Identifiers: MedGen C0950123, MeSH D030342.
Kleefstra syndrome 1 (KLEFS1). Identifiers: Orphanet 261494, MedGen C0795833, MONDO:0027407, OMIM 610253.

Allele frequency attached by ClinVar (database versions not stated): gnomAD 0.00006 and 0.00007; TOPMed 0.00009; ESP Exome Variant Server 0.00015.
gnomAD v4.1: 161 of 1,613,718 alleles (0.01%); highest among the groups gnomAD compares: Non-Finnish European, 0.013%; no homozygotes.

Submissions (4):

Labcorp Genetics (formerly Invitae), Labcorp
Classification: Benign for Kleefstra syndrome 1. Last evaluated: 2025-12-09. Review status: criteria provided, single submitter. Criteria: Invitae Variant Classification Sherloc (09022015). Collection method: clinical testing. Allele origin: germline.

CeGaT Center for Human Genetics Tuebingen
Classification: Likely benign. Last evaluated: 2025-04-01. Review status: criteria provided, single submitter. Criteria: CeGaT Center For Human Genetics Tuebingen Variant Classification Criteria Version 2. Collection method: clinical testing. Allele origin: germline. Affected: yes. Observed: 1 variant allele.
Comment: EHMT1: BP4

Ambry Genetics
Classification: Likely benign for Inborn genetic diseases. Last evaluated: 2024-10-29. Review status: criteria provided, single submitter. Criteria: Ambry Variant Classification Scheme 2023. Collection method: clinical testing. Allele origin: germline.

GeneDx
Classification: Likely benign. Last evaluated: 2021-03-12. Review status: criteria provided, single submitter. Criteria: GeneDx Variant Classification Process June 2021. Collection method: clinical testing. Allele origin: germline. Affected: yes.

NM_024757.5(EHMT1):c.2945A>G (p.Asn982Ser)

Gene: EHMT1 (euchromatic histone lysine methyltransferase 1; plus strand). Cytogenetic location: 9q34.3.
Variant type: single nucleotide variant.
Coding change: c.2945A>G on transcript NM_024757.5 (MANE Select); coding-DNA position 2945, A replaced by G.
Protein change: p.Asn982Ser; replaces asparagine 982 with serine.
Molecular consequence: missense variant.
Genome position (GRCh38, 1-based): chr9:137,813,083, A>G. VCF-style: chr9-137813083-A-G. GRCh37 (hg19) VCF-style: chr9-140707535-A-G.
Other names: c.2924A>G, p.Asn975Ser (NM_001354263.2); short protein forms N975S, N982S.
Identifiers: ClinVar variation 767448 (VCV000767448.21), dbSNP rs141891925, ClinGen allele CA5375109.